The following is an entry in ClinVar:

NM_002397.5(MEF2C):c.44G>A (p.Arg15His)

Gene: MEF2C (myocyte enhancer factor 2C; minus strand). Cytogenetic location: 5q14.3.
Variant type: single nucleotide variant.
Coding change: c.44G>A on transcript NM_002397.5 (MANE Select); coding-DNA position 44, G replaced by A.
Protein change: p.Arg15His; replaces arginine 15 with histidine.
Molecular consequence: missense variant.
Genome position (GRCh38, 1-based): chr5:88,823,745, C>T on the plus strand (G>A on the coding strand, the complement: MEF2C is on the minus strand). VCF-style: chr5-88823745-C-T. GRCh37 (hg19) VCF-style: chr5-88119562-C-T.
Other names: c.44G>A (NM_002397.4, NM_002397.3); c.44G>A, p.Arg15His (NM_001193347.1, NM_001131005.2, NM_001193348.1 and 29 more transcripts); short protein forms R15H.
Identifiers: ClinVar variation 620015 (VCV000620015.15), dbSNP rs1202957297, ClinGen allele CA360425268.

ClinVar aggregate classification (germline): Pathogenic/Likely pathogenic. Review status: criteria provided, multiple submitters, no conflicts (2 of 4 stars). 5 submissions from 4 submitters: Pathogenic (3); Likely pathogenic (2). Last evaluated 2026-01-21.

Conditions:
Neurodevelopmental disorder with hypotonia, stereotypic hand movements, and impaired language. Also called: Intellectual disability, autosomal dominant 20. Identifiers: Orphanet 228384, Orphanet 664410, MedGen C3150700, MONDO:0013266, OMIM 613443.
Seizure. Also called: Seizures. Identifiers: MedGen C0036572, HP:0001250.
Inborn genetic diseases. Identifiers: MedGen C0950123, MeSH D030342.

Submissions (5):

Labcorp Genetics (formerly Invitae), Labcorp
Classification: Pathogenic for Neurodevelopmental disorder with hypotonia, stereotypic hand movements, and impaired language. Last evaluated: 2026-01-21. Review status: criteria provided, single submitter. Criteria: Invitae Variant Classification Sherloc (09022015). Collection method: clinical testing. Allele origin: germline.
Comment: This sequence change replaces arginine, which is basic and polar, with histidine, which is basic and polar, at codon 15 of the MEF2C protein (p.Arg15His). This variant is not present in population databases (gnomAD no frequency). This missense change has been observed in individual(s) with clinical features of MEF2C-related conditions (internal data). In at least one individual the variant was observed to be de novo. ClinVar contains an entry for this variant (Variation ID: 620015). Invitae Evidence Modeling of protein sequence and biophysical properties (such as structural, functional, and spatial information, amino acid conservation, physicochemical variation, residue mobility, and thermodynamic stability) indicates that this missense variant is expected to disrupt MEF2C protein function with a positive predictive value of 80%. This variant disrupts the p.Arg15 amino acid residue in MEF2C. Other variant(s) that disrupt this residue have been determined to be pathogenic (PMID: 26633542, 29468350, 30504930, 33057194, 33994118, 34055696). This suggests that this residue is clinically significant, and that variants that disrupt this residue are likely to be disease-causing. For these reasons, this variant has been classified as Pathogenic.

Cytogénomique, Hospices Civils de Lyon
Classification: Likely pathogenic for Seizure. Last evaluated: 2025-03-18. Review status: criteria provided, single submitter. Criteria: ACMG Guidelines, 2015. Collection method: clinical testing. Allele origin: unknown. Affected: yes.

GeneDx
Classification: Pathogenic. Last evaluated: 2024-07-29. Review status: criteria provided, single submitter. Criteria: GeneDx Variant Classification Process June 2021. Collection method: clinical testing. Allele origin: germline. Affected: yes.
Comment: In silico analysis supports that this missense variant has a deleterious effect on protein structure/function; Not observed at significant frequency in large population cohorts (gnomAD); This variant is associated with the following publications: (PMID: 36403551, 34022131)

Ambry Genetics
Classification: Pathogenic for Inborn genetic diseases. Last evaluated: 2023-11-02. Review status: criteria provided, single submitter. Criteria: Ambry Variant Classification Scheme 2023. Collection method: clinical testing. Allele origin: germline.
Comment: The c.44G>A (p.R15H) alteration is located in exon 2 (coding exon 1) of the MEF2C gene. This alteration results from a G to A substitution at nucleotide position 44, causing the arginine (R) at amino acid position 15 to be replaced by a histidine (H). This variant was not reported in population-based cohorts in the Genome Aggregation Database (gnomAD). This variant has been determined to be the result of a de novo mutation in multiple individuals with features consistent with MEF2C-related neurodevelopmental disorder (external communication). This amino acid position is highly conserved in available vertebrate species. This missense alteration is located in a region that has a low rate of benign missense variation (Lek, 2016; Firth, 2009). Based on internal structural analysis, R15H is a critical residue to DNA-binding in MEF2C (Santelli, 2000; Lei, 2020). This alteration is predicted to be deleterious by in silico analysis. Based on the available evidence, this alteration is classified as pathogenic.

Cytogénomique, Hospices Civils de Lyon
Classification: Likely pathogenic for Neurodevelopmental disorder with hypotonia, stereotypic hand movements, and impaired language. Last evaluated: 2017-10-20. Review status: criteria provided, single submitter. Criteria: ACMG Guidelines, 2015. Collection method: clinical testing. Allele origin: de novo. Inheritance: Autosomal dominant inheritance. Affected: yes.

Literature cited by the submitters: PubMed 26633542 (cited by Labcorp Genetics (formerly Invitae), Labcorp); PubMed 29468350 (cited by Labcorp Genetics (formerly Invitae), Labcorp); PubMed 30504930 (cited by Labcorp Genetics (formerly Invitae), Labcorp); PubMed 33057194 (cited by Labcorp Genetics (formerly Invitae), Labcorp); PubMed 33994118 (cited by Labcorp Genetics (formerly Invitae), Labcorp); PubMed 34055696 (cited by Labcorp Genetics (formerly Invitae), Labcorp); PubMed 10715212 (cited by Ambry Genetics); PubMed 32681840 (cited by Ambry Genetics).